The following is an entry in ClinVar:

ClinVar aggregate classification (germline): Likely pathogenic, low penetrance (1 of 4 stars; one submission).

Conditions:
Atypical hemolytic-uremic syndrome. Identifiers: Orphanet 2134, MedGen C2931788, MONDO:0016244.
Basal laminar drusen. Also called: DRUSEN OF BRUCH MEMBRANE; DRUSEN, CUTICULAR; DRUSEN, EARLY ADULT-ONSET, GROUPED. Identifiers: Orphanet 75376, MedGen C0730295, MONDO:0007472, OMIM 126700.
Factor H deficiency (CFHD). Also called: COMPLEMENT FACTOR H DEFICIENCY; CFH DEFICIENCY. Identifiers: Orphanet 200421, MedGen C0398777, MONDO:0012350, OMIM 609814.
Age related macular degeneration 4. Identifiers: MedGen C1853147, MONDO:0012540, OMIM 610698.

Submission:

Genomenon, Inc
Classification: Likely pathogenic, low penetrance for Basal laminar drusen; Age related macular degeneration 4; Atypical hemolytic-uremic syndrome; Factor H deficiency. Last evaluated: 2025-10-02. Review status: criteria provided, single submitter. Criteria: Genomenon Sequence Variant Interpretation Standards - Updated. Collection method: curation. Allele origin: germline. Affected: no.
Comment: CFH p.Tyr612SerfsTer2 (c.1835_1851del) is a frameshift variant that results in the production of a truncated protein which is predicted to undergo nonsense-mediated mRNA decay. This variant has been reported in the published literature (PMID:31328266). It is absent or not present at a significant frequency in gnomAD. In conclusion, we classify CFH p.Tyr612SerfsTer2 (c.1835_1851del) as a likely pathogenic, low penetrance variant.

Literature cited by the submitters: PubMed 31328266.

NM_000186.4(CFH):c.1835_1851del (p.Tyr612fs)

Gene: CFH (complement factor H; plus strand). Cytogenetic location: 1q31.3.
Variant type: Deletion.
Coding change: c.1835_1851del on transcript NM_000186.4 (MANE Select); coding-DNA positions 1835 to 1851, 17 bases deleted (ACCACTTTGGATTGTCT).
Protein change: p.Tyr612fs; shifts the reading frame from tyrosine 612.
Molecular consequence: frameshift variant.
Genome position (GRCh38, 1-based): chr1:196,725,259-196,725,275, ACCACTTTGGATTGTCT deleted; deleting any 17 consecutive bases within chr1:196,725,257-196,725,275 gives the same sequence; the c. name uses the placement nearest the transcript's 3' end. VCF-style (leftmost placement, unchanged base first): chr1-196725256-GCTACCACTTTGGATTGT-G. GRCh37 (hg19) VCF-style: chr1-196694386-GCTACCACTTTGGATTGT-G.
Other names: short protein forms Y612fs.
Identifiers: ClinVar variation 4291427 (VCV004291427.1).